The following is an entry in ClinVar:

ClinVar aggregate classification (germline): Benign/Likely benign. Review status: criteria provided, multiple submitters, no conflicts (2 of 4 stars). 4 submissions from 4 submitters: Benign (1); Likely benign (3). Last evaluated 2024-05-20.

Conditions:
Hereditary cancer-predisposing syndrome. Also called: Hereditary Cancer Syndrome; Tumor predisposition; Neoplastic Syndromes, Hereditary; Hereditary neoplastic syndrome. Identifiers: Orphanet 140162, MedGen C0027672, MeSH D009386, MONDO:0015356.
Ataxia-telangiectasia syndrome (AT). Also called: Cerebello-oculocutaneous telangiectasia; Immunodeficiency with ataxia telangiectasia; AT, COMPLEMENTATION GROUP C; Ataxia-telangiectasia, complementation group D; LOUIS-BAR SYNDROME; Ataxia-telangiectasia, complementation group E. Identifiers: Orphanet 100, MedGen C0004135, MONDO:0008840, OMIM 208900.
Familial cancer of breast. Also called: BREAST CANCER, FAMILIAL; Hereditary breast cancer; hereditary breast carcinoma. Identifiers: Orphanet 227535, MedGen C0346153, MONDO:0016419, OMIM 114480. Disease mechanism: loss of function.

gnomAD v4.1: 2 of 1,611,512 alleles (0.00012%); highest among the groups gnomAD compares: Non-Finnish European, 0.00017%; no homozygotes.

Submissions (4):

Myriad Genetics, Inc.
Classification: Benign for Familial cancer of breast. Last evaluated: 2024-05-20. Review status: criteria provided, single submitter. Criteria: Myriad Autosomal Dominant, Autosomal Recessive and X-Linked Classification Criteria (2023). Collection method: clinical testing. Allele origin: unknown.
Comment: This variant is considered benign. This variant is a silent/synonymous amino acid change and it is not expected to impact splicing.

Labcorp Genetics (formerly Invitae), Labcorp
Classification: Likely benign for Ataxia-telangiectasia syndrome. Last evaluated: 2023-03-04. Review status: criteria provided, single submitter. Criteria: Invitae Variant Classification Sherloc (09022015). Collection method: clinical testing. Allele origin: germline.

Ambry Genetics
Classification: Likely benign for Hereditary cancer-predisposing syndrome. Last evaluated: 2022-09-26. Review status: criteria provided, single submitter. Criteria: Ambry Variant Classification Scheme 2023. Collection method: clinical testing. Allele origin: germline.

GeneDx
Classification: Likely benign. Last evaluated: 2017-09-13. Review status: criteria provided, single submitter. Criteria: GeneDx Variant Classification (06012015). Collection method: clinical testing. Allele origin: germline. Affected: yes.
Comment: This variant is considered likely benign or benign based on one or more of the following criteria: it is a conservative change, it occurs at a poorly conserved position in the protein, it is predicted to be benign by multiple in silico algorithms, and/or has population frequency not consistent with disease.

NM_000051.4(ATM):c.4761C>G (p.Pro1587=)

Gene: ATM (ATM serine/threonine kinase; plus strand). Cytogenetic location: 11q22.3.
Variant type: single nucleotide variant.
Coding change: c.4761C>G on transcript NM_000051.4 (MANE Select); coding-DNA position 4761, C replaced by G.
Protein change: p.Pro1587=; no amino-acid change (proline 1587 retained).
Molecular consequence: synonymous variant.
Genome position (GRCh38, 1-based): chr11:108,293,462, C>G. VCF-style: chr11-108293462-C-G. GRCh37 (hg19) VCF-style: chr11-108164189-C-G.
Other names: c.4761C>G, p.Pro1587= (NM_001351834.2).
Identifiers: ClinVar variation 512117 (VCV000512117.7), dbSNP rs769562370, ClinGen allele CA476674475.